The following is an entry in ClinVar:

ClinVar aggregate classification (germline): Likely pathogenic (1 of 4 stars; one submission).

Conditions:
PKLR-related disorder. Also called: PKLR-related condition.

gnomAD v4.1: 2 of 1,614,112 alleles (0.00012%); highest among the groups gnomAD compares: Non-Finnish European, 0.00017%; no homozygotes.

Submission:

PreventionGenetics, part of Exact Sciences
Classification: Likely pathogenic for PKLR-related condition. Last evaluated: 2025-07-29. Review status: criteria provided, single submitter. Criteria: ACMG Guidelines, 2015. Collection method: clinical testing. Allele origin: germline.
Comment: The PKLR c.1010G>C variant is predicted to result in the amino acid substitution p.Arg337Pro. This variant has been reported in the heterozygous state in an individual with mild pyruvate kinase deficiency; however, a second allele was not identified (Pastore et al. 1998. PubMed ID: 9482576). Alternate missense changes at the same amino acid position (p.Arg337Gln, p.Arg337Trp) have been reported along with a second PKLR variant in individuals with pyruvate kinase deficiency (Lenzner et al. 1997. PubMed ID: 9057665; Pissard et al. 2006. PubMed ID: 16704447). This variant has not been reported in a large population database (gnomAD), indicating it is rare. This variant is interpreted as likely pathogenic.

NM_000298.6(PKLR):c.1010G>C (p.Arg337Pro)

Gene: PKLR (pyruvate kinase L/R; minus strand). Cytogenetic location: 1q22.
Variant type: single nucleotide variant.
Coding change: c.1010G>C on transcript NM_000298.6 (MANE Select); coding-DNA position 1010, G replaced by C.
Protein change: p.Arg337Pro; replaces arginine 337 with proline.
Molecular consequence: missense variant.
Genome position (GRCh38, 1-based): chr1:155,294,341, C>G on the plus strand (G>C on the coding strand, the complement: PKLR is on the minus strand). VCF-style: chr1-155294341-C-G. GRCh37 (hg19) VCF-style: chr1-155264132-C-G.
Other names: c.917G>C, p.Arg306Pro (NM_181871.4); short protein forms R306P, R337P.
Identifiers: ClinVar variation 2631733 (VCV002631733.4), dbSNP rs1167329263, ClinGen allele CA342753499.